The following is an entry in ClinVar:

ClinVar aggregate classification (germline): Uncertain significance (1 of 4 stars; one submission).

Submission:

GeneDx
Classification: Uncertain significance. Last evaluated: 2023-07-17. Review status: criteria provided, single submitter. Criteria: GeneDx Variant Classification Process June 2021. Collection method: clinical testing. Allele origin: germline. Affected: yes.
Comment: Has not been previously published as pathogenic or benign to our knowledge; In silico analysis supports that this missense variant has a deleterious effect on protein structure/function; Not observed at significant frequency in large population cohorts (gnomAD)

NM_004973.4(JARID2):c.1859G>A (p.Arg620His)

Gene: JARID2 (jumonji and AT-rich interaction domain containing 2; plus strand). Cytogenetic location: 6p22.3.
Variant type: single nucleotide variant.
Coding change: c.1859G>A on transcript NM_004973.4 (MANE Select); coding-DNA position 1859, G replaced by A.
Protein change: p.Arg620His; replaces arginine 620 with histidine.
Molecular consequence: missense variant.
Genome position (GRCh38, 1-based): chr6:15,497,084, G>A. VCF-style: chr6-15497084-G-A. GRCh37 (hg19) VCF-style: chr6-15497315-G-A.
Other names: c.1343G>A, p.Arg448His (NM_001267040.1); short protein forms R448H, R620H.
Identifiers: ClinVar variation 3361208 (VCV003361208.1).